The following is an entry in ClinVar:

ClinVar aggregate classification (germline): Uncertain significance (1 of 4 stars; one submission).

Conditions:
Salla disease (SD). Also called: Sialuria, Finnish type; N-acetylneuraminic acid (NANA) storage disease (NSD); Infantile sialic acid storage disorder (ISSD); Less Severe FSASD (Salla Disease). Identifiers: Orphanet 309334, Orphanet 834, MedGen C1096903, MONDO:0011449, OMIM 604369.

Allele frequency attached by ClinVar (database versions not stated): gnomAD 0.00001.

Submission:

Labcorp Genetics (formerly Invitae), Labcorp
Classification: Uncertain significance for Salla disease. Last evaluated: 2021-08-14. Review status: criteria provided, single submitter. Criteria: Invitae Variant Classification Sherloc (09022015). Collection method: clinical testing. Allele origin: germline.
Comment: This sequence change replaces methionine with leucine at codon 182 of the SLC17A5 protein (p.Met182Leu). The methionine residue is highly conserved and there is a small physicochemical difference between methionine and leucine. This variant is not present in population databases (ExAC no frequency). This variant has not been reported in the literature in individuals affected with SLC17A5-related conditions. Algorithms developed to predict the effect of missense changes on protein structure and function are either unavailable or do not agree on the potential impact of this missense change (SIFT: "Deleterious"; PolyPhen-2: "Possibly Damaging"; Align-GVGD: "Class C0"). In summary, the available evidence is currently insufficient to determine the role of this variant in disease. Therefore, it has been classified as a Variant of Uncertain Significance.

NM_012434.5(SLC17A5):c.544A>T (p.Met182Leu)

Gene: SLC17A5 (solute carrier family 17 member 5; minus strand). Cytogenetic location: 6q13.
Variant type: single nucleotide variant.
Coding change: c.544A>T on transcript NM_012434.5 (MANE Select); coding-DNA position 544, A replaced by T.
Protein change: p.Met182Leu; replaces methionine 182 with leucine.
Molecular consequence: missense variant.
Genome position (GRCh38, 1-based): chr6:73,638,481, T>A on the plus strand (A>T on the coding strand, the complement: SLC17A5 is on the minus strand). VCF-style: chr6-73638481-T-A. GRCh37 (hg19) VCF-style: chr6-74348204-T-A.
Other names: c.565A>T, p.Met189Leu (NM_001382631.1); c.544A>T, p.Met182Leu (NM_001382632.1, NM_001382633.1, NM_001382634.1 and 2 more transcripts); c.313A>T, p.Met105Leu (NM_001382636.1, NM_001382629.1); short protein forms M189L, M105L, M182L.
Identifiers: ClinVar variation 1487532 (VCV001487532.5), dbSNP rs1454840237, ClinGen allele CA364716880.